The following is an entry in ClinVar:

NM_016507.4(CDK12):c.3553G>T (p.Ala1185Ser)

Gene: CDK12 (cyclin dependent kinase 12; plus strand). Cytogenetic location: 17q12.
Variant type: single nucleotide variant.
Coding change: c.3553G>T on transcript NM_016507.4 (MANE Select); coding-DNA position 3553, G replaced by T.
Protein change: p.Ala1185Ser; replaces alanine 1185 with serine.
Molecular consequence: missense variant.
Genome position (GRCh38, 1-based): chr17:39,526,109, G>T. VCF-style: chr17-39526109-G-T. GRCh37 (hg19) VCF-style: chr17-37682362-G-T.
Other names: c.3553G>T, p.Ala1185Ser (NM_015083.4); short protein forms A1185S.
Identifiers: ClinVar variation 3999464 (VCV003999464.1).

ClinVar aggregate classification (germline): Uncertain significance (1 of 4 stars; one submission).

Submission:

Ambry Genetics
Classification: Uncertain significance. Last evaluated: 2025-05-17. Review status: criteria provided, single submitter. Criteria: Ambry Variant Classification Scheme 2023. Collection method: clinical testing. Allele origin: germline.
Comment: The p.A1185S variant (also known as c.3553G>T), located in coding exon 13 of the CDK12 gene, results from a G to T substitution at nucleotide position 3553. The alanine at codon 1185 is replaced by serine, an amino acid with similar properties. This amino acid position is conserved. In addition, this alteration is predicted to be tolerated by in silico analysis. Based on the available evidence, the clinical significance of this variant remains unclear.